The following is an entry in ClinVar:

NM_004655.4(AXIN2):c.2008C>A (p.Pro670Thr)

Gene: AXIN2 (axin 2; minus strand). Cytogenetic location: 17q24.1.
Variant type: single nucleotide variant.
Coding change: c.2008C>A on transcript NM_004655.4 (MANE Select); coding-DNA position 2008, C replaced by A.
Protein change: p.Pro670Thr; replaces proline 670 with threonine.
Molecular consequence: missense variant.
Genome position (GRCh38, 1-based): chr17:65,536,453, G>T on the plus strand (C>A on the coding strand, the complement: AXIN2 is on the minus strand). VCF-style: chr17-65536453-G-T. GRCh37 (hg19) VCF-style: chr17-63532571-G-T.
Other names: c.1813C>A, p.Pro605Thr (NM_001363813.1); short protein forms P605T, P670T.
Identifiers: ClinVar variation 2012025 (VCV002012025.6), dbSNP rs2144442209, ClinGen allele CA400676163.

ClinVar aggregate classification (germline): Uncertain significance. Review status: criteria provided, multiple submitters, no conflicts (2 of 4 stars). 2 submissions from 2 submitters: Uncertain significance (2). Last evaluated 2024-01-30.

Conditions:
Oligodontia-cancer predisposition syndrome. Also called: TOOTH AGENESIS-COLORECTAL CANCER SYNDROME. Identifiers: Orphanet 300576, MedGen C1837750, MONDO:0012075, OMIM 608615. Disease mechanism: loss of function.
Hereditary cancer-predisposing syndrome. Also called: Tumor predisposition; Neoplastic Syndromes, Hereditary; Hereditary Cancer Syndrome; Hereditary neoplastic syndrome. Identifiers: Orphanet 140162, MedGen C0027672, MeSH D009386, MONDO:0015356.

gnomAD v4.1: 1 of 1,613,338 alleles (0.000062%); highest among the groups gnomAD compares: Non-Finnish European, 0.000085%; no homozygotes.

Submissions (2):

Labcorp Genetics (formerly Invitae), Labcorp
Classification: Uncertain significance for Oligodontia-cancer predisposition syndrome. Last evaluated: 2024-01-30. Review status: criteria provided, single submitter. Criteria: Invitae Variant Classification Sherloc (09022015). Collection method: clinical testing. Allele origin: germline.
Comment: This sequence change replaces proline, which is neutral and non-polar, with threonine, which is neutral and polar, at codon 670 of the AXIN2 protein (p.Pro670Thr). This variant is not present in population databases (gnomAD no frequency). This variant has not been reported in the literature in individuals affected with AXIN2-related conditions. ClinVar contains an entry for this variant (Variation ID: 2012025). Advanced modeling of protein sequence and biophysical properties (such as structural, functional, and spatial information, amino acid conservation, physicochemical variation, residue mobility, and thermodynamic stability) performed at Invitae indicates that this missense variant is not expected to disrupt AXIN2 protein function with a negative predictive value of 80%. In summary, the available evidence is currently insufficient to determine the role of this variant in disease. Therefore, it has been classified as a Variant of Uncertain Significance.

Ambry Genetics
Classification: Uncertain significance for Hereditary cancer-predisposing syndrome. Last evaluated: 2022-12-07. Review status: criteria provided, single submitter. Criteria: Ambry Variant Classification Scheme 2023. Collection method: clinical testing. Allele origin: germline.
Comment: The p.P670T variant (also known as c.2008C>A), located in coding exon 7 of the AXIN2 gene, results from a C to A substitution at nucleotide position 2008. The proline at codon 670 is replaced by threonine, an amino acid with highly similar properties. This amino acid position is conserved. In addition, this alteration is predicted to be tolerated by in silico analysis. Since supporting evidence is limited at this time, the clinical significance of this alteration remains unclear.